The following is an entry in ClinVar:

NM_001032386.2(SUOX):c.1388C>T (p.Ser463Phe)

Gene: SUOX (sulfite oxidase; plus strand). Cytogenetic location: 12q13.2.
Variant type: single nucleotide variant.
Coding change: c.1388C>T on transcript NM_001032386.2 (MANE Select); coding-DNA position 1388, C replaced by T.
Protein change: p.Ser463Phe; replaces serine 463 with phenylalanine.
Molecular consequence: missense variant.
Genome position (GRCh38, 1-based): chr12:56,004,777, C>T. VCF-style: chr12-56004777-C-T. GRCh37 (hg19) VCF-style: chr12-56398561-C-T.
Other names: c.1388C>T, p.Ser463Phe (NM_000456.3, NM_001032387.2); short protein forms S463F.
Identifiers: ClinVar variation 623385 (VCV000623385.6), dbSNP rs1565799921, ClinGen allele CA385294306.

ClinVar aggregate classification (germline): Conflicting classifications of pathogenicity. Review status: criteria provided, conflicting classifications (1 of 4 stars). 3 submissions from 3 submitters: Pathogenic (1); Likely pathogenic (1); Uncertain significance (1). Last evaluated 2019-08-16.

Conditions:
Sulfite oxidase deficiency. Also called: Isolated sulfite oxidase deficiency. Identifiers: Orphanet 833, Orphanet 99731, MedGen C0268624, MONDO:0010089, OMIM 272300, HP:0003643.

Allele frequency attached by ClinVar (database versions not stated): gnomAD exomes below 0.00001.
gnomAD v4.1: 2 of 1,614,110 alleles (0.00012%); highest among the groups gnomAD compares: African/African-American, 0.0013%; no homozygotes.

Submissions (3):

GeneDx
Classification: Uncertain significance. Last evaluated: 2019-08-16. Review status: criteria provided, single submitter. Criteria: GeneDx Variant Classification Process June 2021. Collection method: clinical testing. Allele origin: germline. Affected: yes.
Comment: Not observed in large population cohorts (Lek et al., 2016); In silico analysis, which includes protein predictors and evolutionary conservation, supports a deleterious effect; Has not been previously published as pathogenic or benign to our knowledge

Mendelics
Classification: Likely pathogenic for Sulfite oxidase deficiency. Last evaluated: 2019-05-28. Review status: criteria provided, single submitter. Criteria: Mendelics Assertion Criteria 2017. Collection method: clinical testing. Allele origin: unknown.

Department of Genetics, Sultan Qaboos University Hospital
Classification: Pathogenic for Sulfite oxidase deficiency. Last evaluated: 2017-12-30. Review status: criteria provided, single submitter. Criteria: ACMG Guidelines, 2015. Collection method: curation. Allele origin: unknown. Affected: yes.